The following is an entry in ClinVar:

ClinVar aggregate classification (germline): Uncertain significance (1 of 4 stars; one submission).

Conditions:
VPS13B-related disorder. Also called: VPS13B-related condition.

Submission:

PreventionGenetics, part of Exact Sciences
Classification: Uncertain significance for VPS13B-related condition. Last evaluated: 2025-01-29. Review status: criteria provided, single submitter. Criteria: ACMG Guidelines, 2015. Collection method: clinical testing. Allele origin: germline.
Comment: The VPS13B c.1031G>T variant is predicted to result in the amino acid substitution p.Gly344Val. To our knowledge, this variant has not been reported in the literature or in a large population database (gnomAD), indicating this variant is rare. At this time, the clinical significance of this variant is uncertain due to the absence of conclusive functional and genetic evidence.

NM_152564.5(VPS13B):c.1031G>T (p.Gly344Val)

Gene: VPS13B (vacuolar protein sorting 13 homolog B; plus strand). Cytogenetic location: 8q22.2.
Variant type: single nucleotide variant.
Coding change: c.1031G>T on transcript NM_152564.5 (MANE Select); coding-DNA position 1031, G replaced by T.
Protein change: p.Gly344Val; replaces glycine 344 with valine.
Molecular consequence: missense variant. On other transcripts: non-coding transcript variant (1).
Genome position (GRCh38, 1-based): chr8:99,121,270, G>T. VCF-style: chr8-99121270-G-T. GRCh37 (hg19) VCF-style: chr8-100133498-G-T.
Other names: c.1031G>T, p.Gly344Val (NM_015243.3, NM_017890.5, NM_181661.3); short protein forms G344V.
Identifiers: ClinVar variation 4999000 (VCV004999000.1).